The following is an entry in ClinVar:

ClinVar aggregate classification (germline): Likely benign. Review status: criteria provided, multiple submitters, no conflicts (2 of 4 stars). 2 submissions from 2 submitters: Likely benign (2). Last evaluated 2025-08-24.

Conditions:
Tuberous sclerosis 1 (TSC1). Identifiers: Orphanet 805, MedGen C1854465, MONDO:0008612, OMIM 191100.

Allele frequency attached by ClinVar (database versions not stated): gnomAD 0.00001.
gnomAD v4.1: 2 of 1,613,812 alleles (0.00012%); highest among the groups gnomAD compares: African/African-American, 0.0013%; no homozygotes.

Submissions (2):

Labcorp Genetics (formerly Invitae), Labcorp
Classification: Likely benign for Tuberous sclerosis 1. Last evaluated: 2025-08-24. Review status: criteria provided, single submitter. Criteria: Invitae Variant Classification Sherloc (09022015). Collection method: clinical testing. Allele origin: germline.

Myriad Genetics, Inc.
Classification: Likely benign for Tuberous sclerosis 1. Last evaluated: 2025-04-25. Review status: criteria provided, single submitter. Criteria: Myriad Autosomal Dominant, Autosomal Recessive and X-Linked Classification Criteria (2023). Collection method: clinical testing. Allele origin: unknown.
Comment: This variant is considered likely benign. This variant is intronic and is not expected to impact mRNA splicing.

NM_000368.5(TSC1):c.2503-20T>C

Gene: TSC1 (TSC complex subunit 1; minus strand). Cytogenetic location: 9q34.13.
Variant type: single nucleotide variant.
Coding change: c.2503-20T>C on transcript NM_000368.5 (MANE Select); 20 bases into the intron before coding-DNA position 2503, T replaced by C.
Molecular consequence: intron variant.
Genome position (GRCh38, 1-based): chr9:132,900,857, A>G on the plus strand (T>C on the coding strand, the complement: TSC1 is on the minus strand). VCF-style: chr9-132900857-A-G. GRCh37 (hg19) VCF-style: chr9-135776244-A-G.
Other names: c.2140-20T>C (NM_001362177.2); c.2350-20T>C (NM_001162427.2); c.2500-20T>C (NM_001162426.2).
Identifiers: ClinVar variation 1565714 (VCV001565714.9), dbSNP rs539758749, ClinGen allele CA860668208.